The following is an entry in ClinVar:

ClinVar aggregate classification (germline): Uncertain significance (1 of 4 stars; one submission).

Submission:

GeneDx
Classification: Uncertain significance. Last evaluated: 2019-10-15. Review status: criteria provided, single submitter. Criteria: GeneDx Variant Classification Process June 2021. Collection method: clinical testing. Allele origin: germline. Affected: yes.
Comment: Not observed in large population cohorts (Lek et al., 2016); In silico analysis, which includes protein predictors and evolutionary conservation, supports a deleterious effect; Has not been previously published as pathogenic or benign to our knowledge

NM_000391.4(TPP1):c.67C>T (p.Pro23Ser)

Gene: TPP1 (tripeptidyl peptidase 1; minus strand). Cytogenetic location: 11p15.4.
Variant type: single nucleotide variant.
Coding change: c.67C>T on transcript NM_000391.4 (MANE Select); coding-DNA position 67, C replaced by T.
Protein change: p.Pro23Ser; replaces proline 23 with serine.
Molecular consequence: missense variant.
Genome position (GRCh38, 1-based): chr11:6,619,218, G>A on the plus strand (C>T on the coding strand, the complement: TPP1 is on the minus strand). VCF-style: chr11-6619218-G-A. GRCh37 (hg19) VCF-style: chr11-6640449-G-A.
Other names: short protein forms P23S.
Identifiers: ClinVar variation 1309539 (VCV001309539.2), dbSNP rs1855632895, ClinGen allele CA379476975.
Genomic context (GRCh38, chr11:6,619,218, plus strand): 5'-GTATGGGGAAGGGGGCAGTCTGTGCTAAGTCAACTCACGTCCTCCGCTGGTCGGGCTCCG[G>A]GCTGTAACTGCATTTGCCAGAGAGGATGAGGGCAAAGAGCCCTAGGAGGCTGTAGGGGCA-3'
Protein context (NP_000382.3, residues 13-33): LILSGKCSYS[Pro23Ser]EPDQRRTLPP